The following is an entry in ClinVar:

NM_000421.5(KRT10):c.1606GGC[7] (p.Gly541dup)

Gene: KRT10 (keratin 10; minus strand). Cytogenetic location: 17q21.2.
Variant type: Microsatellite.
Coding change: c.1606GGC[7] on transcript NM_000421.5 (MANE Select); seven copies in a row of the 3-base unit GGC starting at c.1606; the reference has six copies in a row; one copy, 3 bases duplicated.
Protein change: p.Gly541dup; duplicates glycine 541.
Molecular consequence: inframe insertion.
Genome position (GRCh38, 1-based): chr17:40,818,912-40,818,914, GCC duplicated on the plus strand (GGC on the coding strand, the reverse complement: KRT10 is on the minus strand); duplicating any 3 consecutive bases within chr17:40,818,912-40,818,930 gives the same sequence; the position shown is the placement nearest the transcript's 3' end. VCF-style (leftmost placement, unchanged base first): chr17-40818911-A-AGCC. GRCh37 (hg19) VCF-style: chr17-38975163-A-AGCC.
Other names: c.1606GGC[7], p.Gly541dup (NM_001379366.1).
Identifiers: ClinVar variation 1512817 (VCV001512817.6), dbSNP rs759327325, ClinGen allele CA500185893.

ClinVar aggregate classification (germline): Uncertain significance (1 of 4 stars; one submission).

Submission:

Labcorp Genetics (formerly Invitae), Labcorp
Classification: Uncertain significance. Last evaluated: 2025-07-14. Review status: criteria provided, single submitter. Criteria: Invitae Variant Classification Sherloc (09022015). Collection method: clinical testing. Allele origin: germline.
Comment: This variant, c.1621_1623dup, results in the insertion of 1 amino acid(s) of the KRT10 protein (p.Gly541dup), but otherwise preserves the integrity of the reading frame. This variant is present in population databases (no rsID available, gnomAD 0.04%). This variant has not been reported in the literature in individuals affected with KRT10-related conditions. Experimental studies and prediction algorithms are not available or were not evaluated, and the functional significance of this variant is currently unknown. In summary, the available evidence is currently insufficient to determine the role of this variant in disease. Therefore, it has been classified as a Variant of Uncertain Significance.